The following is an entry in ClinVar:

NM_001323289.2(CDKL5):c.1106del (p.Gly369fs)

Gene: CDKL5 (cyclin dependent kinase like 5; plus strand). Cytogenetic location: Xp22.13.
Variant type: Deletion.
Coding change: c.1106del on transcript NM_001323289.2 (MANE Select); coding-DNA position 1106, one base deleted (G; older notation c.1106delG).
Protein change: p.Gly369fs; shifts the reading frame from glycine 369.
Molecular consequence: frameshift variant.
Genome position (GRCh38, 1-based): chrX:18,604,030, G deleted; the last of 2 consecutive G bases (chrX:18,604,029-18,604,030); deleting either gives the same sequence. VCF-style (leftmost placement, unchanged base first): chrX-18604028-TG-T. GRCh37 (hg19) VCF-style: chrX-18622148-TG-T.
Other names: c.1106del, p.Gly369fs (NM_001037343.2, NM_003159.3); short protein forms G369fs.
Identifiers: ClinVar variation 3759887 (VCV003759887.2).

ClinVar aggregate classification (germline): Pathogenic (1 of 4 stars; one submission).

Conditions:
Developmental and epileptic encephalopathy, 2 (DEE2). Also called: CDKL5 deficiency disorder; INFANTILE SPASM SYNDROME, X-LINKED 2. Identifiers: Orphanet 1934, Orphanet 3451, Orphanet 505652, MedGen C4750718, MONDO:0010396, OMIM 300672.
Angelman syndrome-like. Identifiers: MedGen CN128785.

Submission:

Labcorp Genetics (formerly Invitae), Labcorp
Classification: Pathogenic for Developmental and epileptic encephalopathy, 2; Angelman syndrome-like. Last evaluated: 2024-11-26. Review status: criteria provided, single submitter. Criteria: Invitae Variant Classification Sherloc (09022015). Collection method: clinical testing. Allele origin: germline.
Comment: This sequence change creates a premature translational stop signal (p.Gly369Glufs*124) in the CDKL5 gene. It is expected to result in an absent or disrupted protein product. Loss-of-function variants in CDKL5 are known to be pathogenic (PMID: 22872100). This variant is not present in population databases (gnomAD no frequency). This variant has not been reported in the literature in individuals affected with CDKL5-related conditions. For these reasons, this variant has been classified as Pathogenic.

Literature cited by the submitters: PubMed 22872100.